The following is an entry in ClinVar:

ClinVar aggregate classification (germline): Uncertain significance (1 of 4 stars; one submission).

Allele frequency attached by ClinVar (database versions not stated): ExAC 0.00001; gnomAD 0.00001; gnomAD exomes 0.00001; TOPMed 0.00001.

Submission:

GeneDx
Classification: Uncertain significance. Last evaluated: 2023-04-24. Review status: criteria provided, single submitter. Criteria: GeneDx Variant Classification Process June 2021. Collection method: clinical testing. Allele origin: germline. Affected: yes.
Comment: Not observed at significant frequency in large population cohorts (gnomAD); In silico analysis supports that this missense variant does not alter protein structure/function; Has not been previously published as pathogenic or benign to our knowledge

NM_000748.3(CHRNB2):c.218G>A (p.Arg73Gln)

Gene: CHRNB2 (cholinergic receptor nicotinic beta 2 subunit; plus strand). Cytogenetic location: 1q21.3.
Variant type: single nucleotide variant.
Coding change: c.218G>A on transcript NM_000748.3 (MANE Select); coding-DNA position 218, G replaced by A.
Protein change: p.Arg73Gln; replaces arginine 73 with glutamine.
Molecular consequence: missense variant.
Genome position (GRCh38, 1-based): chr1:154,569,799, G>A. VCF-style: chr1-154569799-G-A. GRCh37 (hg19) VCF-style: chr1-154542275-G-A.
Other names: short protein forms R73Q.
Identifiers: ClinVar variation 2500367 (VCV002500367.1), dbSNP rs774455462, ClinGen allele CA1130662.